The following is an entry in ClinVar:

ClinVar aggregate classification (germline): Uncertain significance (1 of 4 stars; one submission).

Conditions:
Gorlin syndrome. Also called: Nevoid Basal Cell Carcinoma Syndrome; Basal cell nevus syndrome. Identifiers: Orphanet 377, MedGen C0004779, MONDO:0007187.

Allele frequency attached by ClinVar (database versions not stated): TOPMed 0.00001.

Submission:

Labcorp Genetics (formerly Invitae), Labcorp
Classification: Uncertain significance for Gorlin syndrome. Last evaluated: 2023-04-27. Review status: criteria provided, single submitter. Criteria: Invitae Variant Classification Sherloc (09022015). Collection method: clinical testing. Allele origin: germline.
Comment: In summary, the available evidence is currently insufficient to determine the role of this variant in disease. Therefore, it has been classified as a Variant of Uncertain Significance. Advanced modeling of protein sequence and biophysical properties (such as structural, functional, and spatial information, amino acid conservation, physicochemical variation, residue mobility, and thermodynamic stability) performed at Invitae indicates that this missense variant is not expected to disrupt PTCH2 protein function. This variant has not been reported in the literature in individuals affected with PTCH2-related conditions. This variant is not present in population databases (gnomAD no frequency). This sequence change replaces phenylalanine, which is neutral and non-polar, with leucine, which is neutral and non-polar, at codon 1004 of the PTCH2 protein (p.Phe1004Leu).

NM_003738.5(PTCH2):c.3010T>C (p.Phe1004Leu)

Gene: PTCH2 (patched 2; minus strand). Cytogenetic location: 1p34.1.
Variant type: single nucleotide variant.
Coding change: c.3010T>C on transcript NM_003738.5 (MANE Select); coding-DNA position 3010, T replaced by C.
Protein change: p.Phe1004Leu; replaces phenylalanine 1004 with leucine.
Molecular consequence: missense variant.
Genome position (GRCh38, 1-based): chr1:44,826,354, A>G on the plus strand (T>C on the coding strand, the complement: PTCH2 is on the minus strand). VCF-style: chr1-44826354-A-G. GRCh37 (hg19) VCF-style: chr1-45292026-A-G.
Other names: c.3010T>C, p.Phe1004Leu (NM_001166292.2); short protein forms F1004L.
Identifiers: ClinVar variation 2713566 (VCV002713566.3), dbSNP rs1277453407, ClinGen allele CA340108522.